The following is an entry in ClinVar:

NM_015272.5(RPGRIP1L):c.1401+9C>G

Gene: RPGRIP1L (RPGRIP1 like; minus strand). Cytogenetic location: 16q12.2.
Variant type: single nucleotide variant.
Coding change: c.1401+9C>G on transcript NM_015272.5 (MANE Select); 9 bases into the intron after coding-DNA position 1401, C replaced by G.
Molecular consequence: intron variant.
Genome position (GRCh38, 1-based): chr16:53,658,405, G>C on the plus strand (C>G on the coding strand, the complement: RPGRIP1L is on the minus strand). VCF-style: chr16-53658405-G-C. GRCh37 (hg19) VCF-style: chr16-53692317-G-C.
Other names: c.1401+9C>G (NM_001127897.4, NM_001330538.2, NM_001308334.3 and 1 more transcripts).
Identifiers: ClinVar variation 1583712 (VCV001583712.9), dbSNP rs768434507, ClinGen allele CA8057810.

ClinVar aggregate classification (germline): Likely benign. Review status: criteria provided, single submitter (1 of 4 stars). 2 submissions from 2 submitters: Likely benign (1). 1 of the submissions does not count toward it. Last evaluated 2021-09-18.

Conditions:
RPGRIP1L-related disorder. Also called: RPGRIP1L-related condition; RPGRIP1L-related disorders. Identifiers: MedGen CN239416.
Joubert syndrome. Also called: JOUBERT-BOLTSHAUSER SYNDROME; Familial aplasia of the vermis. Identifiers: Orphanet 475, MedGen C5979921, MONDO:0018772.
Meckel-Gruber syndrome. Also called: DYSENCEPHALIA SPLANCHNOCYSTICA; GRUBER SYNDROME; Dysencephalia splachnocystica. Identifiers: Orphanet 564, MedGen C0265215, MONDO:0018921.

Allele frequency attached by ClinVar (database versions not stated): gnomAD exomes below 0.00001; ExAC 0.00001.
gnomAD v4.1: 1 of 1,603,646 alleles (0.000062%); highest among the groups gnomAD compares: Non-Finnish European, 0.000085%; no homozygotes.

Submissions (2):

Labcorp Genetics (formerly Invitae), Labcorp
Classification: Likely benign for Joubert syndrome; Meckel-Gruber syndrome. Last evaluated: 2021-09-18. Review status: criteria provided, single submitter. Criteria: Invitae Variant Classification Sherloc (09022015). Collection method: clinical testing. Allele origin: germline.

PreventionGenetics, part of Exact Sciences
Classification: Likely benign for RPGRIP1L-related condition. Last evaluated: 2023-06-06. Review status: no assertion criteria provided. Collection method: clinical testing. Allele origin: germline. Not counted in ClinVar's aggregate classification.
Comment: This variant is classified as likely benign based on ACMG/AMP sequence variant interpretation guidelines (Richards et al. 2015 PMID: 25741868, with internal and published modifications).